The following is an entry in ClinVar:

ClinVar aggregate classification (germline): Benign. Review status: reviewed by expert panel (3 of 4 stars). 18 submissions from 18 submitters: Benign (1). 17 of the submissions do not count toward it. Last evaluated 2023-02-26.

Conditions:
APC-related disorder. Also called: APC-related condition.
Inherited polyposis and early onset colorectal cancer - germline testing.
Hereditary cancer-predisposing syndrome. Also called: Tumor predisposition; Hereditary Cancer Syndrome; Neoplastic Syndromes, Hereditary; Hereditary neoplastic syndrome. Identifiers: Orphanet 140162, MedGen C0027672, MeSH D009386, MONDO:0015356.
Familial adenomatous polyposis 1 (FAP1). Also called: FAMILIAL ADENOMATOUS POLYPOSIS 1, ATTENUATED; POLYPOSIS, ADENOMATOUS INTESTINAL. Identifiers: MedGen C2713442, MONDO:0021056, OMIM 175100. Disease mechanism: loss of function.

Submissions (18):

ClinGen InSiGHT Hereditary Colorectal Cancer/Polyposis Variant Curation Expert Panel
Classification: Benign for Familial adenomatous polyposis 1. Last evaluated: 2023-02-26. Review status: reviewed by expert panel. Criteria: ClinGen InSiGHT HCCP VCEP ACMG Specifications APC V1. Collection method: curation. Allele origin: germline. Inheritance: Autosomal dominant inheritance.
Comment: The c.6354TGC[5] or c.6353_6365dup variant in APC is predicted to cause a change in the length of the protein due to an in-frame duplication of one amino acid (p.Ala2122dup). This variant has been observed in >10 heterozygous individuals with no features of FAP, worth > 10 healthy individual points (BS2; Ambry and Invitae internal data). The highest population minor allele frequency in the non-cancer cohort of gnomAD v2.1.1 is 0.05437% in the non-Finnish European population, which is higher than the ClinGen InSiGHT Hereditary Colorectal Cancer/Polyposis Variant Curation Expert Panel (HCCP VCEP) threshold (>0.001%) for BS1, and therefore meets this criterion (BS1). In summary, this variant meets the criteria to be classified as Benign for FAP based on the ACMG/AMP criteria applied, as specified by the HCCP VCEP: BS1 and BS2 (VCEP specifications version 1; date of approval: 12/12/2022).

Cambridge Genomics Laboratory, East Genomic Laboratory Hub, NHS Genomic Medicine Service
Classification: Benign for Inherited polyposis and early onset colorectal cancer - germline testing. Last evaluated: 2026-03-31. Review status: criteria provided, single submitter. Criteria: ACGS Best Practice Guidelines for Variant Classification in Rare Disease 2020. Collection method: clinical testing. Allele origin: germline. Affected: yes. Not counted in ClinVar's aggregate classification.
Comment: BS2_Strong,BS1_Strong

Labcorp Genetics (formerly Invitae), Labcorp
Classification: Likely benign for Familial adenomatous polyposis 1. Last evaluated: 2026-01-28. Review status: criteria provided, single submitter. Criteria: Invitae Variant Classification Sherloc (09022015). Collection method: clinical testing. Allele origin: germline. Not counted in ClinVar's aggregate classification.

Quest Diagnostics Nichols Institute San Juan Capistrano
Classification: Likely benign. Last evaluated: 2025-07-22. Review status: criteria provided, single submitter. Criteria: Quest Diagnostics criteria. Collection method: clinical testing. Allele origin: unknown. Not counted in ClinVar's aggregate classification.

Center for Genomic Medicine, Rigshospitalet, Copenhagen University Hospital
Classification: Benign. Last evaluated: 2025-03-04. Review status: criteria provided, single submitter. Criteria: ACMG Guidelines, 2015. Collection method: clinical testing. Allele origin: germline. Not counted in ClinVar's aggregate classification.

Blueprint Genetics
Classification: Likely benign. Last evaluated: 2024-09-07. Review status: criteria provided, single submitter. Criteria: ACMG Guidelines, 2015. Collection method: clinical testing. Allele origin: germline. Not counted in ClinVar's aggregate classification.

ARUP Laboratories, Molecular Genetics and Genomics, ARUP Laboratories
Classification: Likely benign. Last evaluated: 2023-06-29. Review status: criteria provided, single submitter. Criteria: ARUP Molecular Germline Variant Investigation Process 2024. Collection method: clinical testing. Allele origin: germline. Not counted in ClinVar's aggregate classification.

Myriad Genetics, Inc.
Classification: Likely benign for Familial adenomatous polyposis 1. Last evaluated: 2023-04-03. Review status: criteria provided, single submitter. Criteria: Myriad Autosomal Dominant, Autosomal Recessive and X-Linked Classification Criteria (2023). Collection method: clinical testing. Allele origin: unknown. Not counted in ClinVar's aggregate classification.
Comment: This variant is considered likely benign. This variant has been observed at a population frequency that is significantly greater than expected given the associated disease prevalence and penetrance.

GeneDx
Classification: Likely benign. Last evaluated: 2021-11-12. Review status: criteria provided, single submitter. Criteria: GeneDx Variant Classification Process June 2021. Collection method: clinical testing. Allele origin: germline. Affected: yes. Not counted in ClinVar's aggregate classification.
Comment: This variant is associated with the following publications: (PMID: 25980754, 27060149, 27443514, 27978560, 25186627, 25604157, 30671715)

Institute for Clinical Genetics, University Hospital TU Dresden, University Hospital TU Dresden
Classification: Uncertain significance. Last evaluated: 2021-11-03. Review status: criteria provided, single submitter. Criteria: ACMG Guidelines, 2015. Collection method: clinical testing. Allele origin: germline. Not counted in ClinVar's aggregate classification.

Genetic Services Laboratory, University of Chicago
Classification: Uncertain significance. Last evaluated: 2021-09-16. Review status: criteria provided, single submitter. Criteria: ACMG Guidelines, 2015. Collection method: clinical testing. Allele origin: germline. Affected: no. Not counted in ClinVar's aggregate classification.
Comment: DNA sequence analysis of the APC gene demonstrated a three base pair duplication in exon 16, c.6363_6365dup. This in-frame duplication is predicted to result in the duplication of a alaine residue, p.Ala2122dup, located in an alanine-rich region. This sequence change has been described in the gnomAD database with a frequency of 0.053% in the non-Finnish European subpopulation (dbSNP rs587780602). This duplication has been reported in an individual with colorectal cancer and was considered a variant of uncertain significance (PMID: 27978560). The functional significance of this sequence change is not known at present and its contribution to this individual's disease phenotype cannot definitively be determined.

Sema4
Classification: Benign for Hereditary cancer-predisposing syndrome. Last evaluated: 2020-10-04. Review status: criteria provided, single submitter. Criteria: Sema4 Curation Guidelines. Collection method: curation. Allele origin: germline. Not counted in ClinVar's aggregate classification.

Color Diagnostics, LLC DBA Color Health
Classification: Likely benign for Hereditary cancer-predisposing syndrome. Last evaluated: 2020-02-05. Review status: criteria provided, single submitter. Criteria: ACMG Guidelines, 2015. Collection method: clinical testing. Allele origin: germline. Not counted in ClinVar's aggregate classification.

Baylor Genetics
Classification: Uncertain significance for Familial adenomatous polyposis 1. Last evaluated: 2019-04-30. Review status: criteria provided, single submitter. Criteria: ACMG Guidelines, 2015. Collection method: clinical testing. Allele origin: paternal. Affected: yes. Study: CSER-TexasKidsCanSeq. Not counted in ClinVar's aggregate classification.
Comment: This variant was determined to be of uncertain significance according to ACMG Guidelines, 2015 [PMID:25741868].

Ambry Genetics
Classification: Likely benign for Hereditary cancer-predisposing syndrome. Last evaluated: 2018-08-13. Review status: criteria provided, single submitter. Criteria: Ambry Variant Classification Scheme 2023. Collection method: clinical testing. Allele origin: germline. Not counted in ClinVar's aggregate classification.

Women's Health and Genetics/Laboratory Corporation of America, LabCorp
Classification: Benign. Last evaluated: 2016-09-30. Review status: criteria provided, single submitter. Criteria: LabCorp Variant Classification Summary - May 2015. Collection method: clinical testing. Allele origin: germline. Not counted in ClinVar's aggregate classification.
Comment: Variant summary: The APC c.6363_6365dupTGC (p.Ala2121dup) variant involves the insertion of three nucleotides in a 5 alanine repeat region, resulting in an in-frame duplication of single Alanine. One in silico tool predicts a benign outcome for this variant. This variant was found in 36/121200 control chromosomes, predominantly observed in the European (Non-Finnish) subpopulation at a frequency of 0.0004797 (32/66714). This frequency is about 7 times the estimated maximal expected allele frequency of a pathogenic APC variant (0.0000714), suggesting this is likely a benign polymorphism found primarily in the populations of European (Non-Finnish) origin. This variant has been reported in affected individuals without strong evidence of causality. In addition, multiple clinical diagnostic laboratories/reputable databases classified this variant as uncertain significance/likely benign, all without evidence to independently evaluate. Taken together, this variant is classified as benign.

PreventionGenetics, part of Exact Sciences
Classification: Likely benign for APC-related condition. Last evaluated: 2024-06-10. Review status: no assertion criteria provided. Collection method: clinical testing. Allele origin: germline. Not counted in ClinVar's aggregate classification.
Comment: This variant is classified as likely benign based on ACMG/AMP sequence variant interpretation guidelines (Richards et al. 2015 PMID: 25741868, with internal and published modifications).

Department of Pathology and Laboratory Medicine, Sinai Health System
Classification: Uncertain significance for Familial adenomatous polyposis 1. Review status: no assertion criteria provided. Collection method: clinical testing. Allele origin: unknown. Affected: yes. Study: The Canadian Open Genetics Repository (COGR). Not counted in ClinVar's aggregate classification.
Comment: The p.Ala2122dup variant was identified in 1 of 342 proband chromosomes (frequency: 0.003) from individuals or families with FAP, but was classified as a VUS by the authors (Out 2015). The variant was also identified in the Clinvitae database (1X with â€šÃ„Ãºuncertain significanceâ€šÃ„Ã¹), COSMIC (1X found in a lung adenocarcinoma), ClinVar database (1X with uncertain significance, classified by Ambry Genetics), and UMD (1X with an â€šÃ„Ãºunclassified variantâ€šÃ„Ã¹ classification). The variant was not identified in the general population cohort databases; 1000 Genomes Project, Exome Variant Server project or the Exome Aggregation Consortium (ExAC) database. This variant is an in-frame duplication resulting in the duplication of an Alanine (Ala) residue at codon 2122; the impact of this alteration on APC protein function is not known. The variant occurs outside of the splicing consensus sequence and in silico or computational prediction software programs (SpliceSiteFinder, MaxEntScan, NNSPLICE, GeneSplicer, HumanSpliceFinder) do not predict a difference in splicing. In summary, based on the above information, the clinical significance of this variant cannot be determined with certainty at this time. This variant is classified as a variant of unknown significance.

Literature cited by the submitters: PubMed 25604157 (cited by Quest Diagnostics Nichols Institute San Juan Capistrano and Center for Genomic Medicine, Rigshospitalet, Copenhagen University Hospital); PubMed 25980754 (cited by Quest Diagnostics Nichols Institute San Juan Capistrano and Women's Health and Genetics/Laboratory Corporation of America, LabCorp); PubMed 27978560 (cited by Quest Diagnostics Nichols Institute San Juan Capistrano and Center for Genomic Medicine, Rigshospitalet, Copenhagen University Hospital); PubMed 27443514 (cited by Quest Diagnostics Nichols Institute San Juan Capistrano and Women's Health and Genetics/Laboratory Corporation of America, LabCorp); PubMed 34326862 (cited by Quest Diagnostics Nichols Institute San Juan Capistrano); PubMed 35534704 (cited by Quest Diagnostics Nichols Institute San Juan Capistrano); PubMed 36243179 (cited by Quest Diagnostics Nichols Institute San Juan Capistrano).

NM_000038.6(APC):c.6354TGC[5] (p.Ala2122dup)

Gene: APC (APC regulator of Wnt signaling pathway; plus strand). Cytogenetic location: 5q22.2.
Variant type: Microsatellite.
Coding change: c.6354TGC[5] on transcript NM_000038.6 (MANE Select); five copies in a row of the 3-base unit TGC starting at c.6354; the reference has four copies in a row; one copy, 3 bases duplicated; also written c.6363_6365dup.
Protein change: p.Ala2122dup; duplicates alanine 2122.
Molecular consequence: inframe insertion.
Genome position (GRCh38, 1-based): chr5:112,841,957-112,841,959, TGC duplicated; duplicating any 3 consecutive bases within chr5:112,841,946-112,841,959 gives the same sequence; the position shown is the placement nearest the transcript's 3' end. VCF-style (leftmost placement, unchanged base first): chr5-112841945-A-AGCT. GRCh37 (hg19) VCF-style: chr5-112177642-A-AGCT.
Other names: NM_000038.6(APC):c.6354TGC[5]; p.Ala2122dup; c.6354TGC[5], p.Ala2122dup (NM_001127510.3, NM_001354895.2); c.6300TGC[5], p.Ala2104dup (NM_001127511.3); c.6408TGC[5], p.Ala2140dup (NM_001354896.2); c.6384TGC[5], p.Ala2132dup (NM_001354897.2); c.6279TGC[5], p.Ala2097dup (NM_001354898.2); c.6270TGC[5], p.Ala2094dup (NM_001354899.2); and 9 more.
Identifiers: ClinVar variation 140994 (VCV000140994.49), dbSNP rs587780602, ClinGen allele CA011093.